The following is an entry in ClinVar:

NM_001378418.1(TCF20):c.3047T>G (p.Leu1016Trp)

Gene: TCF20 (transcription factor 20; minus strand). Cytogenetic location: 22q13.2.
Variant type: single nucleotide variant.
Coding change: c.3047T>G on transcript NM_001378418.1 (MANE Select); coding-DNA position 3047, T replaced by G.
Protein change: p.Leu1016Trp; replaces leucine 1016 with tryptophan.
Molecular consequence: missense variant.
Genome position (GRCh38, 1-based): chr22:42,212,259, A>C on the plus strand (T>G on the coding strand, the complement: TCF20 is on the minus strand). VCF-style: chr22-42212259-A-C. GRCh37 (hg19) VCF-style: chr22-42608265-A-C.
Other names: c.3047T>G, p.Leu1016Trp (NM_005650.4, NM_181492.3); short protein forms L1016W.
Identifiers: ClinVar variation 4814021 (VCV004814021.1).

ClinVar aggregate classification (germline): Likely benign (1 of 4 stars; one submission).

Conditions:
Developmental delay with variable intellectual impairment and behavioral abnormalities. Identifiers: MedGen C5193092, MONDO:0032745, OMIM 618430.

Submission:

Centre for Medical Genetics,  Mumbai
Classification: Likely benign for Developmental delay with variable intellectual impairment and behavioral abnormalities. Last evaluated: 2026-02-26. Review status: criteria provided, single submitter. Criteria: ACMG Guidelines, 2015. Collection method: provider interpretation. Allele origin: germline. Inheritance: Autosomal dominant inheritance. Affected: no. Observed: 1 variant allele, 1 heterozygote.
Comment: The variant satisfies PM2 criteria; Extremely low frequency in gnomAD population databases. However, the variant satisfies BS2 criteria.

Literature cited by the submitters: PubMed 25228304.